The following is an entry in ClinVar:

NM_201384.3(PLEC):c.2396C>T (p.Pro799Leu)

Gene: PLEC (plectin; minus strand). Cytogenetic location: 8q24.3.
Variant type: single nucleotide variant.
Coding change: c.2396C>T on transcript NM_201384.3 (MANE Select); coding-DNA position 2396, C replaced by T.
Protein change: p.Pro799Leu; replaces proline 799 with leucine.
Molecular consequence: missense variant.
Genome position (GRCh38, 1-based): chr8:143,930,445, G>A on the plus strand (C>T on the coding strand, the complement: PLEC is on the minus strand). VCF-style: chr8-143930445-G-A. GRCh37 (hg19) VCF-style: chr8-145004613-G-A.
Other names: c.2477C>T, p.Pro826Leu (NM_000445.5, NM_001410941.1); c.2354C>T, p.Pro785Leu (NM_201378.4); c.2330C>T, p.Pro777Leu (NM_201379.3); c.2807C>T, p.Pro936Leu (NM_201380.4); c.2300C>T, p.Pro767Leu (NM_201381.3); c.2396C>T, p.Pro799Leu (NM_201382.4); c.2408C>T, p.Pro803Leu (NM_201383.3); short protein forms P767L, P777L, P785L, P826L, P936L, P799L, P803L.
Identifiers: ClinVar variation 4782933 (VCV004782933.1).

ClinVar aggregate classification (germline): Uncertain significance (1 of 4 stars; one submission).

Conditions:
Epidermolysis bullosa simplex with nail dystrophy (EBS5D). Identifiers: MedGen C4225309, MONDO:0014661, OMIM 616487.
Epidermolysis bullosa simplex, Ogna type (EBS5A). Also called: Pidermolysis bullosa simplex 5A, Ogna type; EPIDERMOLYSIS BULLOSA SIMPLEX 5A, OGNA TYPE. Identifiers: Orphanet 79401, MedGen C0432317, MONDO:0007555, OMIM 131950.
Epidermolysis bullosa simplex 5B, with muscular dystrophy (EBS5B). Also called: Epidermolysis bullosa simplex with muscular dystrophy; EPIDERMOLYSIS BULLOSA SIMPLEX AND LIMB-GIRDLE MUSCULAR DYSTROPHY. Identifiers: Orphanet 257, MedGen C2931072, MONDO:0009181, OMIM 226670.
Autosomal recessive limb-girdle muscular dystrophy type 2Q (LGMDR17). Also called: MUSCULAR DYSTROPHY, LIMB-GIRDLE, AUTOSOMAL RECESSIVE 17. Identifiers: Orphanet 254361, MedGen C3150989, MONDO:0013390, OMIM 613723.
Epidermolysis bullosa simplex 5C, with pyloric atresia (EBS5C). Also called: PLEC-Related Epidermolysis Bullosa with Pyloric Atresia; Epidermolysis bullosa simplex with pyloric atresia; PLEC1-Related Epidermolysis Bullosa with Pyloric Atresia. Identifiers: Orphanet 158684, MedGen C2677349, MONDO:0012807, OMIM 612138.

gnomAD v4.1: 3 of 1,577,392 alleles (0.00019%); highest among the groups gnomAD compares: Non-Finnish European, 0.00026%; no homozygotes.

Submission:

Labcorp Genetics (formerly Invitae), Labcorp
Classification: Uncertain significance for Autosomal recessive limb-girdle muscular dystrophy type 2Q; Epidermolysis bullosa simplex, Ogna type; Epidermolysis bullosa simplex with nail dystrophy; Epidermolysis bullosa simplex 5C, with pyloric atresia; Epidermolysis bullosa simplex 5B, with muscular dystrophy. Last evaluated: 2025-02-11. Review status: criteria provided, single submitter. Criteria: Invitae Variant Classification Sherloc (09022015). Collection method: clinical testing. Allele origin: germline.
Comment: This sequence change replaces proline, which is neutral and non-polar, with leucine, which is neutral and non-polar, at codon 826 of the PLEC protein (p.Pro826Leu). This variant is not present in population databases (gnomAD no frequency). This variant has not been reported in the literature in individuals affected with PLEC-related conditions. Invitae Evidence Modeling of protein sequence and biophysical properties (such as structural, functional, and spatial information, amino acid conservation, physicochemical variation, residue mobility, and thermodynamic stability) indicates that this missense variant is not expected to disrupt PLEC protein function with a negative predictive value of 80%. In summary, the available evidence is currently insufficient to determine the role of this variant in disease. Therefore, it has been classified as a Variant of Uncertain Significance.